The following is an entry in ClinVar:

ClinVar aggregate classification (germline): Pathogenic (1 of 4 stars; one submission).

Submission:

Labcorp Genetics (formerly Invitae), Labcorp
Classification: Pathogenic. Last evaluated: 2023-06-04. Review status: criteria provided, single submitter. Criteria: Invitae Variant Classification Sherloc (09022015). Collection method: clinical testing. Allele origin: germline.
Comment: For these reasons, this variant has been classified as Pathogenic. This variant disrupts a region of the KCNJ11 protein in which other variant(s) (p.Arg301Gly) have been determined to be pathogenic (PMID: 18250167, 23275527, 24401662). This suggests that this is a clinically significant region of the protein, and that variants that disrupt it are likely to be disease-causing. This premature translational stop signal has been observed in individual(s) with autosomal recessive congenital hyperinsulinism (PMID: 23345197, 30447144). This variant has been reported in individual(s) with autosomal dominant congenital hyperinsulinism (PMID: 23506826); however, the role of the variant in this condition is currently unclear. This variant is not present in population databases (gnomAD no frequency). This sequence change creates a premature translational stop signal (p.Glu51*) in the KCNJ11 gene. While this is not anticipated to result in nonsense mediated decay, it is expected to disrupt the last 340 amino acid(s) of the KCNJ11 protein.

Literature cited by the submitters: PubMed 18250167; PubMed 23275527; PubMed 24401662; PubMed 23345197; PubMed 30447144; PubMed 23506826.

NM_000525.4(KCNJ11):c.151G>T (p.Glu51Ter)

Gene: KCNJ11 (potassium inwardly rectifying channel subfamily J member 11; minus strand). Cytogenetic location: 11p15.1.
Variant type: single nucleotide variant.
Coding change: c.151G>T on transcript NM_000525.4 (MANE Select); coding-DNA position 151, G replaced by T.
Protein change: p.Glu51Ter; replaces glutamic acid 51 with a stop codon.
Molecular consequence: nonsense. On other transcripts: intron variant (3).
Genome position (GRCh38, 1-based): chr11:17,387,941, C>A on the plus strand (G>T on the coding strand, the complement: KCNJ11 is on the minus strand). VCF-style: chr11-17387941-C-A. GRCh37 (hg19) VCF-style: chr11-17409488-C-A.
Other names: c.-16-95G>T (NM_001166290.2, NM_001377297.1); c.-17+77G>T (NM_001377296.1); short protein forms E51*.
Identifiers: ClinVar variation 2735543 (VCV002735543.3), dbSNP rs2496412015, ClinGen allele CA379776316.